The following is an entry in ClinVar:

ClinVar aggregate classification (germline): Uncertain significance (1 of 4 stars; one submission).

Conditions:
Inborn genetic diseases. Identifiers: MedGen C0950123, MeSH D030342.

Submission:

Ambry Genetics
Classification: Uncertain significance for Inborn genetic diseases. Last evaluated: 2026-06-29. Review status: criteria provided, single submitter. Criteria: Ambry Variant Classification Scheme 2023. Collection method: clinical testing. Allele origin: germline.
Comment: The c.2843_2846delCCAC (p.P948Hfs*20) alteration, located in exon 9 (coding exon 9) of the RFX7 gene, consists of a deletion of 4 nucleotides from position 2843 to 2846, causing a translational frameshift with a predicted alternate stop codon after 20 amino acids. This variant occurs at the 3' terminus of the RFX7 gene and is not expected to trigger nonsense-mediated mRNA decay. This variant was not reported in population-based cohorts in the Genome Aggregation Database (gnomAD). This variant is located in a region of the protein where truncating variants that escape nonsense mediated mRNA decay have been reported as disease-causing for RFX7-related neurodevelopmental disorder (Harris, 2021). Based on insufficient or conflicting evidence, the clinical significance of this alteration remains unclear.

Literature cited by the submitters: PubMed 33658631.

NM_022841.7(RFX7):c.2843_2846del (p.Pro948fs)

Gene: RFX7 (regulatory factor X7; minus strand). Cytogenetic location: 15q21.3.
Variant type: Deletion.
Coding change: c.2843_2846del on transcript NM_022841.7 (MANE Select); coding-DNA positions 2843 to 2846, 4 bases deleted (CCAC; older notation c.2843_2846delCCAC).
Protein change: p.Pro948fs; shifts the reading frame from proline 948.
Molecular consequence: frameshift variant.
Genome position (GRCh38, 1-based): chr15:56,094,882-56,094,885, GTGG deleted on the plus strand (CCAC on the coding strand, the reverse complement: RFX7 is on the minus strand); deleting any 4 consecutive bases within chr15:56,094,882-56,094,888 gives the same sequence; the c. name uses the placement nearest the transcript's 3' end. VCF-style (leftmost placement, unchanged base first): chr15-56094881-TGTGG-T. GRCh37 (hg19) VCF-style: chr15-56387079-TGTGG-T.
Other names: c.2552_2555del, p.Pro851fs (NM_001368073.2, NM_001368074.1, NM_001370554.1); c.2843_2846del, p.Pro948fs (NM_001370561.1); short protein forms P948fs, P851fs.
Identifiers: ClinVar variation 5028231 (VCV005028231.1).